The following is an entry in ClinVar:

NM_024675.4(PALB2):c.1114A>T (p.Ser372Cys)

Gene: PALB2 (partner and localizer of BRCA2; minus strand). Cytogenetic location: 16p12.2.
Variant type: single nucleotide variant.
Coding change: c.1114A>T on transcript NM_024675.4 (MANE Select); coding-DNA position 1114, A replaced by T.
Protein change: p.Ser372Cys; replaces serine 372 with cysteine.
Molecular consequence: missense variant. On other transcripts: intron variant (3).
Genome position (GRCh38, 1-based): chr16:23,635,432, T>A on the plus strand (A>T on the coding strand, the complement: PALB2 is on the minus strand). VCF-style: chr16-23635432-T-A. GRCh37 (hg19) VCF-style: chr16-23646753-T-A.
Other names: c.1054A>T, p.Ser352Cys (NM_001407296.1); c.1114A>T, p.Ser372Cys (NM_001407297.1, NM_001407298.1, NM_001407299.1 and 3 more transcripts); c.229A>T, p.Ser77Cys (NM_001407304.1, NM_001407305.1, NM_001407306.1 and 5 more transcripts); c.48+5678A>T (NM_001407314.1); c.-104-4963A>T (NM_001407313.1, NM_001407312.1); short protein forms S352C, S372C, S77C.
Identifiers: ClinVar variation 4663775 (VCV004663775.1).

ClinVar aggregate classification (germline): Uncertain significance (1 of 4 stars; one submission).

Conditions:
Hereditary cancer-predisposing syndrome. Also called: Neoplastic Syndromes, Hereditary; Tumor predisposition; Hereditary Cancer Syndrome; Hereditary neoplastic syndrome. Identifiers: Orphanet 140162, MedGen C0027672, MeSH D009386, MONDO:0015356.

Submission:

Ambry Genetics
Classification: Uncertain significance for Hereditary cancer-predisposing syndrome. Last evaluated: 2025-10-13. Review status: criteria provided, single submitter. Criteria: Ambry Variant Classification Scheme 2023. Collection method: clinical testing. Allele origin: germline.
Comment: The p.S372C variant (also known as c.1114A>T), located in coding exon 4 of the PALB2 gene, results from an A to T substitution at nucleotide position 1114. The serine at codon 372 is replaced by cysteine, an amino acid with dissimilar properties. This amino acid position is conserved. In addition, this alteration is predicted to be tolerated by in silico analysis. Based on the available evidence, the clinical significance of this variant remains unclear.